The following is an entry in ClinVar:

ClinVar aggregate classification (germline): Conflicting classifications of pathogenicity. Review status: criteria provided, conflicting classifications (1 of 4 stars). 3 submissions from 3 submitters: Uncertain significance (1); Likely benign (1). 1 of the submissions does not count toward it. Last evaluated 2018-01-13.

Conditions:
FAH-related disorder. Also called: FAH-related condition.
Tyrosinemia type I (TYRSN1). Also called: Tyrosinemia type 1; Fumarylacetoacetase deficiency; Deficiency of fumarylacetoacetase; FAH DEFICIENCY; HEPATORENAL TYROSINEMIA. Identifiers: Orphanet 882, MedGen C0268490, MONDO:0010161, OMIM 276700. Disease mechanism: loss of function.

Allele frequency attached by ClinVar (database versions not stated): gnomAD 0.00013 and 0.00014; 1000 Genomes Project 30x 0.00016; gnomAD exomes 0.00010 and 0.00023; ExAC 0.00019; TOPMed 0.00019; 1000 Genomes Project 0.00020.
gnomAD v4.1: 215 of 1,577,578 alleles (0.014%); highest among the groups gnomAD compares: East Asian, 0.32%; 2 homozygotes.

Submissions (3):

Illumina Laboratory Services, Illumina
Classification: Uncertain significance for Tyrosinemia type I. Last evaluated: 2018-01-13. Review status: criteria provided, single submitter. Criteria: ICSL Variant Classification Criteria 13 December 2019. Collection method: clinical testing. Allele origin: germline.

GeneDx
Classification: Likely benign. Last evaluated: 2017-10-03. Review status: criteria provided, single submitter. Criteria: GeneDx Variant Classification (06012015). Collection method: clinical testing. Allele origin: germline. Affected: yes.
Comment: This variant is considered likely benign or benign based on one or more of the following criteria: it is a conservative change, it occurs at a poorly conserved position in the protein, it is predicted to be benign by multiple in silico algorithms, and/or has population frequency not consistent with disease.

PreventionGenetics, part of Exact Sciences
Classification: Likely benign for FAH-related condition. Last evaluated: 2021-07-09. Review status: no assertion criteria provided. Collection method: clinical testing. Allele origin: germline. Not counted in ClinVar's aggregate classification.
Comment: This variant is classified as likely benign based on ACMG/AMP sequence variant interpretation guidelines (Richards et al. 2015 PMID: 25741868, with internal and published modifications).

NM_000137.4(FAH):c.-43G>T

Gene: FAH (fumarylacetoacetate hydrolase; plus strand). Cytogenetic location: 15q25.1.
Variant type: single nucleotide variant.
Coding change: c.-43G>T on transcript NM_000137.4 (MANE Select); 43 bases upstream of the start codon, G replaced by T.
Molecular consequence: 5 prime UTR variant. On other transcripts: intron variant (2).
Genome position (GRCh38, 1-based): chr15:80,153,012, G>T. VCF-style: chr15-80153012-G-T. GRCh37 (hg19) VCF-style: chr15-80445354-G-T.
Other names: c.-29-14G>T (NM_001374377.1, NM_001374380.1).
Identifiers: ClinVar variation 317199 (VCV000317199.7), dbSNP rs200704926, ClinGen allele CA7690957.